The following is an entry in ClinVar:

NM_001042492.3(NF1):c.7117del (p.Gln2373fs)

Gene: NF1 (neurofibromin 1; plus strand). Cytogenetic location: 17q11.2.
Variant type: Deletion.
Coding change: c.7117del on transcript NM_001042492.3 (MANE Select); coding-DNA position 7117, one base deleted (C; older notation c.7117delC).
Protein change: p.Gln2373fs; shifts the reading frame from glutamine 2373.
Molecular consequence: frameshift variant.
Genome position (GRCh38, 1-based): chr17:31,343,063, C deleted. VCF-style (leftmost placement, unchanged base first): chr17-31343062-GC-G. GRCh37 (hg19) VCF-style: chr17-29670080-GC-G.
Other names: c.7054del, p.Gln2352fs (NM_000267.4); short protein forms Q2352fs, Q2373fs.
Identifiers: ClinVar variation 4292539 (VCV004292539.1).

ClinVar aggregate classification (germline): Likely pathogenic (1 of 4 stars; one submission).

Conditions:
NF1-related disorder. Also called: NF1-related condition. Identifiers: MedGen CN379171.

Submission:

3billion
Classification: Likely pathogenic for NF1-related disorder. Last evaluated: 2025-03-04. Review status: criteria provided, single submitter. Criteria: ACMG Guidelines, 2015. Collection method: clinical testing. Allele origin: germline. Affected: yes.
Comment: The variant is not observed in the gnomAD v4.1.0 dataset. Predicted Consequence/Location: Frameshift: predicted to result in a loss or disruption of normal protein function through nonsense-mediated decay (NMD) or protein truncation. Multiple pathogenic variants are reported downstream of the variant. Therefore, this variant is classified as Likely pathogenic according to the recommendation of ACMG/AMP guideline.